The following is an entry in ClinVar:

NM_206937.2(LIG4):c.938C>T (p.Pro313Leu)

Gene: LIG4 (DNA ligase 4; minus strand). Cytogenetic location: 13q33.3.
Variant type: single nucleotide variant.
Coding change: c.938C>T on transcript NM_206937.2 (MANE Select); coding-DNA position 938, C replaced by T.
Protein change: p.Pro313Leu; replaces proline 313 with leucine.
Molecular consequence: missense variant.
Genome position (GRCh38, 1-based): chr13:108,210,331, G>A on the plus strand (C>T on the coding strand, the complement: LIG4 is on the minus strand). VCF-style: chr13-108210331-G-A. GRCh37 (hg19) VCF-style: chr13-108862679-G-A.
Other names: c.938C>T, p.Pro313Leu (NM_001098268.2, NM_001352598.2, NM_001352599.2 and 6 more transcripts); c.737C>T, p.Pro246Leu (NM_001330595.2); c.974C>T, p.Pro325Leu (NM_001352604.2); short protein forms P325L, P246L, P313L.
Identifiers: ClinVar variation 1469724 (VCV001469724.8), dbSNP rs2138976768, ClinGen allele CA388619224.

ClinVar aggregate classification (germline): Uncertain significance (1 of 4 stars; one submission).

Conditions:
DNA ligase IV deficiency. Identifiers: Orphanet 99812, MedGen C1847827, MONDO:0011686, OMIM 606593.

Submission:

Labcorp Genetics (formerly Invitae), Labcorp
Classification: Uncertain significance for DNA ligase IV deficiency. Last evaluated: 2021-07-07. Review status: criteria provided, single submitter. Criteria: Invitae Variant Classification Sherloc (09022015). Collection method: clinical testing. Allele origin: germline.
Comment: This sequence change replaces proline with leucine at codon 313 of the LIG4 protein (p.Pro313Leu). The proline residue is highly conserved and there is a moderate physicochemical difference between proline and leucine. This variant is not present in population databases (ExAC no frequency). This variant has not been reported in the literature in individuals affected with LIG4-related conditions. Algorithms developed to predict the effect of missense changes on protein structure and function are either unavailable or do not agree on the potential impact of this missense change (SIFT: "Deleterious"; PolyPhen-2: "Possibly Damaging"; Align-GVGD: "Class C0"). In summary, the available evidence is currently insufficient to determine the role of this variant in disease. Therefore, it has been classified as a Variant of Uncertain Significance.